The following is an entry in ClinVar:

ClinVar aggregate classification (germline): Uncertain significance. Review status: criteria provided, multiple submitters, no conflicts (2 of 4 stars). 2 submissions from 2 submitters: Uncertain significance (2). Last evaluated 2024-05-27.

Allele frequency attached by ClinVar (database versions not stated): gnomAD exomes below 0.00001.
gnomAD v4.1: 2 of 1,613,876 alleles (0.00012%); highest among the groups gnomAD compares: Non-Finnish European, 0.00017%; no homozygotes.

Submissions (2):

Labcorp Genetics (formerly Invitae), Labcorp
Classification: Uncertain significance. Last evaluated: 2024-05-27. Review status: criteria provided, single submitter. Criteria: Invitae Variant Classification Sherloc (09022015). Collection method: clinical testing. Allele origin: germline.
Comment: This sequence change replaces cysteine, which is neutral and slightly polar, with serine, which is neutral and polar, at codon 110 of the FUK protein (p.Cys110Ser). This variant is not present in population databases (gnomAD no frequency). This variant has not been reported in the literature in individuals affected with FUK-related conditions. An algorithm developed to predict the effect of missense changes on protein structure and function (PolyPhen-2) suggests that this variant is likely to be tolerated. In summary, the available evidence is currently insufficient to determine the role of this variant in disease. Therefore, it has been classified as a Variant of Uncertain Significance.

Ambry Genetics
Classification: Uncertain significance. Last evaluated: 2021-10-21. Review status: criteria provided, single submitter. Criteria: Ambry Variant Classification Scheme 2023. Collection method: clinical testing. Allele origin: germline.

NM_145059.3(FCSK):c.329G>C (p.Cys110Ser)

Gene: FCSK (fucose kinase; plus strand). Cytogenetic location: 16q22.1.
Variant type: single nucleotide variant.
Coding change: c.329G>C on transcript NM_145059.3 (MANE Select); coding-DNA position 329, G replaced by C.
Protein change: p.Cys110Ser; replaces cysteine 110 with serine.
Molecular consequence: missense variant.
Genome position (GRCh38, 1-based): chr16:70,466,175, G>C. VCF-style: chr16-70466175-G-C. GRCh37 (hg19) VCF-style: chr16-70500078-G-C.
Other names: short protein forms C110S.
Identifiers: ClinVar variation 3094294 (VCV003094294.3), dbSNP rs1270551958, ClinGen allele CA396561697.
Genomic context (GRCh38, chr16:70,466,175, plus strand): 5'-AGTCCCCCGACTTCCAGGGTCGAGACTTCCCCTTTGATGACTGTGGCAGGGCTTTCACCT[G>C]CCTCCCCGTGGAGAACCCCGAGGCCCCCGTGGAAGCCTTGGTCTGCAACCTGGACTGCCT-3'
Protein context (NP_659496.2, residues 100-120): PFDDCGRAFT[Cys110Ser]LPVENPEAPV